The following is an entry in ClinVar:

ClinVar aggregate classification (germline): Pathogenic/Likely pathogenic. Review status: criteria provided, multiple submitters, no conflicts (2 of 4 stars). 6 submissions from 6 submitters: Pathogenic (3); Likely pathogenic (2). 1 of the submissions does not count toward it. Last evaluated 2026-01-29.

Conditions:
VPS13B-related disorder. Also called: VPS13B-related condition.
Cohen syndrome (COH1). Also called: PEPPER SYNDROME; Cutis verticis gyrata, retinitis pigmentosa, and sensorineural deafness. Identifiers: Orphanet 193, MedGen C0265223, MONDO:0008999, OMIM 216550.
Inborn genetic diseases. Identifiers: MedGen C0950123, MeSH D030342.

Allele frequency attached by ClinVar (database versions not stated): gnomAD exomes below 0.00001.

Submissions (6):

Natera, Inc.
Classification: Likely pathogenic for Cohen syndrome. Last evaluated: 2026-01-29. Review status: criteria provided, single submitter. Criteria: Natera Variant Classification Schema (03/2026). Collection method: clinical testing. Allele origin: germline.
Comment: The c.3234delG variant in VPS13B is a frameshift variant predicted to shift the reading frame beginning at codon 1079 and leads to a stop codon 22 codons downstream. This variant is expected to result in nonsense mediated decay, truncation, or a dysfunctional protein product. This variant is rare in the general population with a frequency below the threshold expected for the associated phenotype(s). Given the available evidence, this variant is classified as Likely Pathogenic.

Labcorp Genetics (formerly Invitae), Labcorp
Classification: Pathogenic for Cohen syndrome. Last evaluated: 2025-06-17. Review status: criteria provided, single submitter. Criteria: Invitae Variant Classification Sherloc (09022015). Collection method: clinical testing. Allele origin: germline.
Comment: This sequence change creates a premature translational stop signal (p.Phe1079Leufs*22) in the VPS13B gene. It is expected to result in an absent or disrupted protein product. Loss-of-function variants in VPS13B are known to be pathogenic (PMID: 15141358, 16648375, 20461111). This variant is not present in population databases (gnomAD no frequency). This variant has not been reported in the literature in individuals affected with VPS13B-related conditions. ClinVar contains an entry for this variant (Variation ID: 1980213). For these reasons, this variant has been classified as Pathogenic.

CeGaT Center for Human Genetics Tuebingen
Classification: Pathogenic. Last evaluated: 2025-01-01. Review status: criteria provided, single submitter. Criteria: CeGaT Center For Human Genetics Tuebingen Variant Classification Criteria Version 2. Collection method: clinical testing. Allele origin: germline. Affected: yes. Observed: 1 variant allele.
Comment: VPS13B: PVS1, PM2

Ambry Genetics
Classification: Pathogenic for Inborn genetic diseases. Last evaluated: 2024-12-10. Review status: criteria provided, single submitter. Criteria: Ambry Variant Classification Scheme 2023. Collection method: clinical testing. Allele origin: germline.
Comment: The c.3234delG (p.F1079Lfs*22) alteration, located in exon 23 (coding exon 22) of the VPS13B gene, consists of a deletion of one nucleotide at position 3234, causing a translational frameshift with a predicted alternate stop codon after 22 amino acids. This alteration is expected to result in loss of function by premature protein truncation or nonsense-mediated mRNA decay. This variant was not reported in population-based cohorts in the Genome Aggregation Database (gnomAD). Based on the available evidence, this alteration is classified as pathogenic.

Blueprint Genetics
Classification: Likely pathogenic for VPS13B-related disorders. Last evaluated: 2021-04-29. Review status: criteria provided, single submitter. Criteria: ACMG Guidelines, 2015. Collection method: clinical testing. Allele origin: germline. Affected: yes. Observed: 1 variant allele.

PreventionGenetics, part of Exact Sciences
Classification: Likely pathogenic for VPS13B-related condition. Last evaluated: 2024-05-28. Review status: no assertion criteria provided. Collection method: clinical testing. Allele origin: germline. Not counted in ClinVar's aggregate classification.
Comment: The VPS13B c.3234delG variant is predicted to result in a frameshift and premature protein termination (p.Phe1079Leufs*22). To our knowledge, this variant has not been reported in the literature or in a large population database, indicating this variant is rare. Frameshift variants in VPS13B are expected to be pathogenic. This variant is interpreted as likely pathogenic.

Literature cited by the submitters: PubMed 15141358 (cited by Labcorp Genetics (formerly Invitae), Labcorp); PubMed 16648375 (cited by Labcorp Genetics (formerly Invitae), Labcorp); PubMed 20461111 (cited by Labcorp Genetics (formerly Invitae), Labcorp).

NM_152564.5(VPS13B):c.3234del (p.Phe1079fs)

Gene: VPS13B (vacuolar protein sorting 13 homolog B; plus strand). Cytogenetic location: 8q22.2.
Variant type: Deletion.
Coding change: c.3234del on transcript NM_152564.5 (MANE Select); coding-DNA position 3234, one base deleted (G; older notation c.3234delG).
Protein change: p.Phe1079fs; shifts the reading frame from phenylalanine 1079.
Molecular consequence: frameshift variant.
Genome position (GRCh38, 1-based): chr8:99,442,424, G deleted. VCF-style (leftmost placement, unchanged base first): chr8-99442423-TG-T. GRCh37 (hg19) VCF-style: chr8-100454651-TG-T.
Other names: c.3234del, p.Phe1079fs (NM_017890.5); c.3234delG (NM_017890.3); short protein forms F1079fs.
Identifiers: ClinVar variation 1980213 (VCV001980213.21), dbSNP rs2490161693, ClinGen allele CA462434677.